The following is an entry in ClinVar:

NM_182961.4(SYNE1):c.5237G>A (p.Trp1746Ter)

Gene: SYNE1 (spectrin repeat containing nuclear envelope protein 1; minus strand). Cytogenetic location: 6q25.2.
Variant type: single nucleotide variant.
Coding change: c.5237G>A on transcript NM_182961.4 (MANE Select); coding-DNA position 5237, G replaced by A.
Protein change: p.Trp1746Ter; replaces tryptophan 1746 with a stop codon.
Molecular consequence: nonsense.
Genome position (GRCh38, 1-based): chr6:152,425,411, C>T on the plus strand (G>A on the coding strand, the complement: SYNE1 is on the minus strand). VCF-style: chr6-152425411-C-T. GRCh37 (hg19) VCF-style: chr6-152746546-C-T.
Other names: c.5258G>A, p.Trp1753Ter (NM_033071.5); short protein forms W1746*, W1753*.
Identifiers: ClinVar variation 1325160 (VCV001325160.8), dbSNP rs2154194664, ClinGen allele CA366137530.

ClinVar aggregate classification (germline): Pathogenic/Likely pathogenic. Review status: criteria provided, multiple submitters, no conflicts (2 of 4 stars). 2 submissions from 2 submitters: Pathogenic (1); Likely pathogenic (1). Last evaluated 2022-04-12.

Conditions:
Autosomal recessive ataxia, Beauce type. Also called: SYNE1-Related Autosomal Recessive Cerebellar Ataxia; SYNE1 Deficiency; Spinocerebellar ataxia, autosomal recessive 8; ATAXIA, RECESSIVE, OF BEAUCE. Identifiers: Orphanet 88644, MedGen C1853116, MONDO:0012549, OMIM 610743.
Emery-Dreifuss muscular dystrophy 4, autosomal dominant (EDMD4). Also called: EMERY-DREIFUSS MUSCULAR DYSTROPHY 4 WITH VARIABLE FEATURES. Identifiers: Orphanet 261, MedGen C2751807, MONDO:0013071, OMIM 612998.

Submissions (2):

Labcorp Genetics (formerly Invitae), Labcorp
Classification: Pathogenic for Emery-Dreifuss muscular dystrophy 4, autosomal dominant; Autosomal recessive ataxia, Beauce type. Last evaluated: 2022-04-12. Review status: criteria provided, single submitter. Criteria: Invitae Variant Classification Sherloc (09022015). Collection method: clinical testing. Allele origin: germline.
Comment: This variant is not present in population databases (gnomAD no frequency). This sequence change creates a premature translational stop signal (p.Trp1753*) in the SYNE1 gene. It is expected to result in an absent or disrupted protein product. Loss-of-function variants in SYNE1 are known to be pathogenic (PMID: 19542096, 24319099, 27086870). This variant has not been reported in the literature in individuals affected with SYNE1-related conditions. For these reasons, this variant has been classified as Pathogenic. ClinVar contains an entry for this variant (Variation ID: 1325160).

Revvity Omics, Revvity
Classification: Likely pathogenic. Last evaluated: 2021-02-05. Review status: criteria provided, single submitter. Criteria: ACMG Guidelines, 2015. Collection method: clinical testing. Allele origin: germline.

Literature cited by the submitters: PubMed 19542096 (cited by Labcorp Genetics (formerly Invitae), Labcorp); PubMed 24319099 (cited by Labcorp Genetics (formerly Invitae), Labcorp); PubMed 27086870 (cited by Labcorp Genetics (formerly Invitae), Labcorp).